The following is an entry in ClinVar:

ClinVar aggregate classification (germline): Uncertain significance (1 of 4 stars; one submission).

gnomAD v4.1: 7 of 1,614,174 alleles (0.00043%); highest among the groups gnomAD compares: Non-Finnish European, 0.00051%; no homozygotes.

Submission:

GeneDx
Classification: Uncertain significance. Last evaluated: 2025-01-02. Review status: criteria provided, single submitter. Criteria: GeneDx Variant Classification Process June 2021. Collection method: clinical testing. Allele origin: germline. Affected: yes.
Comment: Not observed at significant frequency in large population cohorts (gnomAD); In silico analysis supports that this missense variant has a deleterious effect on protein structure/function; Has not been previously published as pathogenic or benign to our knowledge

NM_001673.5(ASNS):c.610T>C (p.Tyr204His)

Genes: ASNS (asparagine synthetase (glutamine-hydrolyzing); minus strand), CZ1P-ASNS (CZ1P-ASNS readthrough; minus strand). Cytogenetic location: 7q21.3.
Variant type: single nucleotide variant.
Coding change: c.610T>C on transcript NM_001673.5 (MANE Select); coding-DNA position 610, T replaced by C.
Protein change: p.Tyr204His; replaces tyrosine 204 with histidine.
Molecular consequence: missense variant. On other transcripts: non-coding transcript variant (1).
Genome position (GRCh38, 1-based): chr7:97,859,276, A>G on the plus strand (T>C on the coding strand, the complement: ASNS is on the minus strand). VCF-style: chr7-97859276-A-G. GRCh37 (hg19) VCF-style: chr7-97488588-A-G.
Other names: c.547T>C, p.Tyr183His (NM_001178075.2); c.361T>C, p.Tyr121His (NM_001178076.2, NM_001178077.1); c.610T>C, p.Tyr204His (NM_001352496.2, NM_133436.3, NM_183356.4); short protein forms Y204H, Y121H, Y183H.
Identifiers: ClinVar variation 4055882 (VCV004055882.1).